The following is an entry in ClinVar:

ClinVar aggregate classification (germline): Likely pathogenic (1 of 4 stars; one submission).

Submission:

GeneDx
Classification: Likely pathogenic. Last evaluated: 2024-11-22. Review status: criteria provided, single submitter. Criteria: GeneDx Variant Classification Process June 2021. Collection method: clinical testing. Allele origin: germline. Affected: yes.
Comment: Observed with an additional TTN variant on the opposite allele (in trans) in a patient with unspecified congenital heart disease; however, it is unknown if the proband had a congenital cardiomyopathy or a congenital cardiac malformation and both parents were reported as having no cardiac phenotype (PMID: 38516780); Frameshift variant predicted to result in protein truncation or nonsense mediated decay in a gene for which loss of function is a known mechanism of disease; Located in the M-line region of TTN in which the majority of loss of function variants have been associated with autosomal recessive titinopathies (PMID: 17444505); Not observed at significant frequency in large population cohorts (gnomAD); This variant is associated with the following publications: (PMID: 17444505, 38516780)

NM_001267550.2(TTN):c.104527_104528del (p.Leu34843fs)

Genes: TTN (titin; minus strand), TTN-AS1 (TTN antisense RNA 1; plus strand). Cytogenetic location: 2q31.2.
Variant type: Deletion.
Coding change: c.104527_104528del on transcript NM_001267550.2 (MANE Select); coding-DNA positions 104527 to 104528, 2 bases deleted (CT; older notation c.104527_104528delCT).
Protein change: p.Leu34843fs; shifts the reading frame from leucine 34843.
Molecular consequence: frameshift variant.
Genome position (GRCh38, 1-based): chr2:178,532,087-178,532,088, AG deleted on the plus strand (CT on the coding strand, the reverse complement: TTN is on the minus strand). VCF-style (leftmost placement, unchanged base first): chr2-178532086-CAG-C. GRCh37 (hg19) VCF-style: chr2-179396813-CAG-C.
Other names: c.99604_99605del, p.Leu33202fs (NM_001256850.1); c.104527_104528delCT, p.Leu34843Valfs (NM_001267550.1); c.77332_77333del, p.Leu25778fs (NM_003319.4); c.96823_96824del, p.Leu32275fs (NM_133378.4); c.77707_77708del, p.Leu25903fs (NM_133432.3); c.77908_77909del, p.Leu25970fs (NM_133437.4); short protein forms L25778fs, L25903fs, L25970fs, L32275fs, L33202fs, L34843fs.
Identifiers: ClinVar variation 3378109 (VCV003378109.2).